The following is an entry in ClinVar:

NM_000138.5(FBN1):c.6963del (p.Phe2322fs)

Gene: FBN1 (fibrillin 1; minus strand). Cytogenetic location: 15q21.1.
Variant type: Deletion.
Coding change: c.6963del on transcript NM_000138.5 (MANE Select); coding-DNA position 6963, one base deleted (G; older notation c.6963delG).
Protein change: p.Phe2322fs; shifts the reading frame from phenylalanine 2322.
Molecular consequence: frameshift variant.
Genome position (GRCh38, 1-based): chr15:48,428,380, C deleted on the plus strand (G on the coding strand, the reverse complement: FBN1 is on the minus strand); the first of 3 consecutive C bases (chr15:48,428,380-48,428,382); deleting any one gives the same sequence. VCF-style (leftmost placement, unchanged base first): chr15-48428379-AC-A. GRCh37 (hg19) VCF-style: chr15-48720576-AC-A.
Other names: c.6963delG (NM_000138.4); short protein forms F2322fs.
Identifiers: ClinVar variation 406311 (VCV000406311.3), dbSNP rs1060501051, ClinGen allele CA16614504.
Genomic context (GRCh38, chr15:48,428,379, plus strand): 5'-GGAAAGTGCGGTGCCAACTGTACTCACCAAGGCACTCGTCCTGGTTGGGGCTGGCGGTAA[AC>A]CCATCATTACACTCACAGGTGTAGCTCCCACGGGTGTTGAGGCAGCGCCCATTCTCACAG-3'

ClinVar aggregate classification (germline): Pathogenic. Review status: criteria provided, multiple submitters, no conflicts (2 of 4 stars). 2 submissions from 2 submitters: Pathogenic (2). Last evaluated 2018-12-12.

Conditions:
Familial thoracic aortic aneurysm and aortic dissection (TAAD). Also called: Thoracic aortic aneurysms and dissections. Identifiers: Orphanet 91387, MedGen C4707243, MONDO:0019625.
Marfan syndrome (MFS). Also called: Marfan syndrome, classic; Marfan syndrome type 1; Marfan's syndrome; MARFAN SYNDROME, TYPE I; FBN1-Related Marfan Syndrome. Identifiers: Orphanet 284963, Orphanet 558, MedGen C0024796, MONDO:0007947, OMIM 154700.

Submissions (2):

Ambry Genetics
Classification: Pathogenic for Familial thoracic aortic aneurysm and aortic dissection. Last evaluated: 2018-12-12. Review status: criteria provided, single submitter. Criteria: Ambry Variant Classification Scheme 2023. Collection method: clinical testing. Allele origin: germline.
Comment: The c.6963delG pathogenic mutation, located in coding exon 56 of the FBN1 gene, results from a deletion of one nucleotide at nucleotide position 6963, causing a translational frameshift with a predicted alternate stop codon (p.F2322Lfs*76). This alteration is expected to result in loss of function by premature protein truncation or nonsense-mediated mRNA decay. As such, this alteration is interpreted as a disease-causing mutation.

Labcorp Genetics (formerly Invitae), Labcorp
Classification: Pathogenic for Marfan syndrome. Last evaluated: 2016-11-03. Review status: criteria provided, single submitter. Criteria: Invitae Variant Classification Sherloc (09022015). Collection method: clinical testing. Allele origin: germline.
Comment: This sequence change deletes 1 nucleotide from exon 57 of the FBN1 mRNA (c.6963delG), causing a frameshift at codon 2322. This creates a premature translational stop signal (p.Phe2322Leufs*76) and is expected to result in an absent or disrupted protein product. While this particular variant has not been reported in the literature, loss-of-function variants in FBN1 are known to be pathogenic (PMID: 17657824, 19293843). For these reasons, this variant has been classified as Pathogenic.